The following is an entry in ClinVar:

NM_032531.4(KIRREL3):c.1500G>C (p.Thr500=)

Gene: KIRREL3 (kirre like nephrin family adhesion molecule 3; minus strand). Cytogenetic location: 11q24.2.
Variant type: single nucleotide variant.
Coding change: c.1500G>C on transcript NM_032531.4 (MANE Select); coding-DNA position 1500, G replaced by C.
Protein change: p.Thr500=; no amino-acid change (threonine 500 retained).
Molecular consequence: synonymous variant.
Genome position (GRCh38, 1-based): chr11:126,436,863, C>G on the plus strand (G>C on the coding strand, the complement: KIRREL3 is on the minus strand). VCF-style: chr11-126436863-C-G. GRCh37 (hg19) VCF-style: chr11-126306758-C-G.
Other names: c.1500G>C, p.Thr500= (NM_001161707.2, NM_001301097.2).
Identifiers: ClinVar variation 435650 (VCV000435650.30), dbSNP rs186782738, ClinGen allele CA6355867.

ClinVar aggregate classification (germline): Likely benign. Review status: criteria provided, multiple submitters, no conflicts (2 of 4 stars). 2 submissions from 2 submitters: Likely benign (2). Last evaluated 2023-05-01.

Allele frequency attached by ClinVar (database versions not stated): 1000 Genomes Project 30x 0.00031; ESP Exome Variant Server 0.00015; TOPMed 0.00016; 1000 Genomes Project 0.00020.
gnomAD v4.1: 206 of 1,613,754 alleles (0.013%); highest among the groups gnomAD compares: Admixed American, 0.11%; 1 homozygote.

Submissions (2):

CeGaT Center for Human Genetics Tuebingen
Classification: Likely benign. Last evaluated: 2023-05-01. Review status: criteria provided, single submitter. Criteria: CeGaT Center For Human Genetics Tuebingen Variant Classification Criteria Version 2. Collection method: clinical testing. Allele origin: germline. Affected: yes. Observed: 1 variant allele.
Comment: KIRREL3: BP4, BP7

Genetic Services Laboratory, University of Chicago
Classification: Likely benign. Last evaluated: 2015-09-23. Review status: criteria provided, single submitter. Criteria: ACMG Guidelines, 2015. Collection method: clinical testing. Allele origin: germline. Affected: no.